The following is an entry in ClinVar:

ClinVar aggregate classification (germline): Uncertain significance. Review status: criteria provided, multiple submitters, no conflicts (2 of 4 stars). 5 submissions from 4 submitters: Uncertain significance (5). Last evaluated 2026-01-20.

Conditions:
Early-infantile DEE. Also called: Ohtahara syndrome; Early infantile epileptic encephalopathy; Early infantile epileptic encephalopathy with suppression bursts. Identifiers: Orphanet 1934, MedGen C0393706, MONDO:0800491.
Generalized epilepsy with febrile seizures plus, type 2 (GEFSP2). Also called: GEFS+, TYPE 2. Identifiers: Orphanet 36387, MedGen C1858673, MONDO:0011461, OMIM 604403.
Migraine, familial hemiplegic, 3. Identifiers: Orphanet 569, MedGen C1864987, MONDO:0012320, OMIM 609634.

Allele frequency attached by ClinVar (database versions not stated): gnomAD exomes below 0.00001 and 0.00003; ExAC 0.00001; gnomAD 0.00001; TOPMed 0.00001.
gnomAD v4.1: 43 of 1,611,944 alleles (0.0027%); highest among the groups gnomAD compares: Middle Eastern, 0.016%; no homozygotes.

Submissions (5):

Labcorp Genetics (formerly Invitae), Labcorp
Classification: Uncertain significance for Early-infantile DEE. Last evaluated: 2026-01-20. Review status: criteria provided, single submitter. Criteria: Invitae Variant Classification Sherloc (09022015). Collection method: clinical testing. Allele origin: germline.
Comment: This sequence change replaces arginine, which is basic and polar, with glutamine, which is neutral and polar, at codon 187 of the SCN1A protein (p.Arg187Gln). This variant is present in population databases (rs777631884, gnomAD 0.0009%). This variant has not been reported in the literature in individuals affected with SCN1A-related conditions. ClinVar contains an entry for this variant (Variation ID: 383462). Invitae Evidence Modeling of protein sequence and biophysical properties (such as structural, functional, and spatial information, amino acid conservation, physicochemical variation, residue mobility, and thermodynamic stability) indicates that this missense variant is expected to disrupt SCN1A protein function with a positive predictive value of 95%. This variant disrupts the p.Arg187 amino acid residue in SCN1A. Other variant(s) that disrupt this residue have been determined to be pathogenic (PMID: 31677916, 35074891). This suggests that this residue is clinically significant, and that variants that disrupt this residue are likely to be disease-causing. In summary, the available evidence is currently insufficient to determine the role of this variant in disease. Therefore, it has been classified as a Variant of Uncertain Significance.

Women's Health and Genetics/Laboratory Corporation of America, LabCorp
Classification: Uncertain significance. Last evaluated: 2025-02-07. Review status: criteria provided, single submitter. Criteria: LabCorp Variant Classification Summary - May 2015. Collection method: clinical testing. Allele origin: germline.
Comment: Variant summary: SCN1A c.560G>A (p.Arg187Gln) results in a conservative amino acid change located in the Ion transport protein domain (IPR005821) of the encoded protein sequence. Four of five in-silico tools predict a damaging effect of the variant on protein function. The variant allele was found at a frequency of 2.7e-05 in 1611944 control chromosomes, predominantly at a frequency of 3.2e-05 within the Non-Finnish European subpopulation in the gnomAD database. The observed variant frequency within Non-Finnish European control individuals in the gnomAD database is approximately 1.79 fold of the estimated maximal expected allele frequency for a pathogenic variant in SCN1A causing SCN1A-Related Seizure Disorder phenotype (1.8e-05). c.560G>A has been reported in the literature in multiple individuals affected with a spectrum of neurological conditions, without strong evidence for causality, and in unaffected adult individuals (example, Maksemous_2019, Hiatt_2018, Atli_2023, Guo_2020, internal data). These report(s) do not provide unequivocal conclusions about association of the variant with SCN1A-Related Seizure Disorder. To our knowledge, no experimental evidence demonstrating an impact on protein function has been reported. The following publications have been ascertained in the context of this evaluation (PMID: 36374051, 32875726, 30500825). ClinVar contains an entry for this variant (Variation ID: 383462). Based on the evidence outlined above, the variant was classified as VUS-possibly benign.

GeneDx
Classification: Uncertain significance. Last evaluated: 2022-09-27. Review status: criteria provided, single submitter. Criteria: GeneDx Variant Classification Process June 2021. Collection method: clinical testing. Allele origin: germline. Affected: yes.
Comment: Identified in an individual in published literature with seizures, intellectual disability, and hypotonia, but the variant was inherited from an unaffected father and the proband was also reported to have a potentially causative variant in a different gene (Hiatt et al., 2018); Identified in an individual in published literature with hemiplegic migraine, but familial segregation information was not provided (Maksemous et al., 2019); Missense variants in this gene are often considered pathogenic (HGMD); This substitution is predicted to be within the intracellular loop between the S2 and S3 transmembrane segments of the first homologous domain; In silico analysis supports that this missense variant has a deleterious effect on protein structure/function; This variant is associated with the following publications: (PMID: 24077912, 30500825, Maksemous2019[Article])

Illumina Laboratory Services, Illumina
Classification: Uncertain significance for Migraine, familial hemiplegic, 3. Last evaluated: 2017-09-07. Review status: criteria provided, single submitter. Criteria: ICSL Variant Classification Criteria 13 December 2019. Collection method: clinical testing. Allele origin: germline.

Illumina Laboratory Services, Illumina
Classification: Uncertain significance for Generalized epilepsy with febrile seizures plus, type 2. Last evaluated: 2017-09-07. Review status: criteria provided, single submitter. Criteria: ICSL Variant Classification Criteria 13 December 2019. Collection method: clinical testing. Allele origin: germline.

Literature cited by the submitters: PubMed 31677916 (cited by Labcorp Genetics (formerly Invitae), Labcorp); PubMed 35074891 (cited by Labcorp Genetics (formerly Invitae), Labcorp); PubMed 32875726 (cited by Women's Health and Genetics/Laboratory Corporation of America, LabCorp); PubMed 36374051 (cited by Women's Health and Genetics/Laboratory Corporation of America, LabCorp); PubMed 30500825 (cited by Women's Health and Genetics/Laboratory Corporation of America, LabCorp).

NM_001165963.4(SCN1A):c.560G>A (p.Arg187Gln)

Gene: SCN1A (sodium voltage-gated channel alpha subunit 1; minus strand). Cytogenetic location: 2q24.3.
Variant type: single nucleotide variant.
Coding change: c.560G>A on transcript NM_001165963.4 (MANE Select); coding-DNA position 560, G replaced by A.
Protein change: p.Arg187Gln; replaces arginine 187 with glutamine.
Molecular consequence: missense variant. On other transcripts: 5 prime UTR variant (1), non-coding transcript variant (1).
Genome position (GRCh38, 1-based): chr2:166,054,680, C>T on the plus strand (G>A on the coding strand, the complement: SCN1A is on the minus strand). VCF-style: chr2-166054680-C-T. GRCh37 (hg19) VCF-style: chr2-166911190-C-T.
Other names: c.560G>A, p.Arg187Gln (NM_001165964.3, NM_001202435.3, NM_001353948.2 and 10 more transcripts); c.-1866G>A (NM_001353961.2); short protein forms R187Q.
Identifiers: ClinVar variation 383462 (VCV000383462.17), dbSNP rs777631884, ClinGen allele CA1943489.
Genomic context (GRCh38, chr2:166,054,680, plus strand): 5'-TTCAAAAAAGGCACTTACGCAAATGTAATGACAGTGAAATCGAGCCAGTTCCATGGATCC[C>T]GAAGGAAAGTAAAATCTTCTAAACAGAATCCCCTTGCAATAATTTTTATAAGTGATTCAA-3'
Protein context (NP_001159435.1, residues 177-197): GFCLEDFTFL[Arg187Gln]DPWNWLDFTV